The following is an entry in ClinVar:

ClinVar aggregate classification (germline): Pathogenic (1 of 4 stars; one submission).

Conditions:
Skeletal muscle channelopathy.

gnomAD v4.1: 60 of 1,614,102 alleles (0.0037%); highest among the groups gnomAD compares: Middle Eastern, 0.016%; no homozygotes.

Submission:

Genetics Laboratory, Great Ormond Street Hospital NHS Foundation Trust, North Thames Genomic Laboratory Hub
Classification: Pathogenic for Skeletal muscle channelopathy. Last evaluated: 2025-11-26. Review status: criteria provided, single submitter. Criteria: ACGS Best Practice Guidelines for Variant Classification in Rare Disease 2024 v1.2. Collection method: clinical testing. Allele origin: germline. Affected: yes.
Comment: PM2_moderate, PP3_supporting, PS3_strong, PM1_moderate, PP1_strong, PM3_very-strong

NM_000083.3(CLCN1):c.568G>T (p.Gly190Ter)

Gene: CLCN1 (chloride voltage-gated channel 1; plus strand). Cytogenetic location: 7q34.
Variant type: single nucleotide variant.
Coding change: c.568G>T on transcript NM_000083.3 (MANE Select); coding-DNA position 568, G replaced by T.
Protein change: p.Gly190Ter; replaces glycine 190 with a stop codon.
Molecular consequence: nonsense. On other transcripts: non-coding transcript variant (1).
Genome position (GRCh38, 1-based): chr7:143,321,720, G>T. VCF-style: chr7-143321720-G-T. GRCh37 (hg19) VCF-style: chr7-143018813-G-T.
Other names: short protein forms G190*.
Identifiers: ClinVar variation 4686656 (VCV004686656.1), dbSNP rs369773321.